The following is an entry in ClinVar:

NM_001164665.2(KIAA1549):c.1217C>T (p.Thr406Ile)

Gene: KIAA1549 (KIAA1549; minus strand). Cytogenetic location: 7q34.
Variant type: single nucleotide variant.
Coding change: c.1217C>T on transcript NM_001164665.2 (MANE Select); coding-DNA position 1217, C replaced by T.
Protein change: p.Thr406Ile; replaces threonine 406 with isoleucine.
Molecular consequence: missense variant.
Genome position (GRCh38, 1-based): chr7:138,918,409, G>A on the plus strand (C>T on the coding strand, the complement: KIAA1549 is on the minus strand). VCF-style: chr7-138918409-G-A. GRCh37 (hg19) VCF-style: chr7-138603155-G-A.
Other names: c.1217C>T, p.Thr406Ile (NM_020910.3); short protein forms T406I.
Identifiers: ClinVar variation 849760 (VCV000849760.8), dbSNP rs757772617, ClinGen allele CA4506775.

ClinVar aggregate classification (germline): Uncertain significance (1 of 4 stars; one submission).

Allele frequency attached by ClinVar (database versions not stated): ExAC 0.00001; gnomAD exomes 0.00001; TOPMed 0.00002; gnomAD 0.00003.
gnomAD v4.1: 20 of 1,613,910 alleles (0.0012%); highest among the groups gnomAD compares: Non-Finnish European, 0.0017%; no homozygotes.

Submission:

Labcorp Genetics (formerly Invitae), Labcorp
Classification: Uncertain significance. Last evaluated: 2019-12-04. Review status: criteria provided, single submitter. Criteria: Invitae Variant Classification Sherloc (09022015). Collection method: clinical testing. Allele origin: germline.
Comment: This sequence change replaces threonine with isoleucine at codon 406 of the KIAA1549 protein (p.Thr406Ile). The threonine residue is weakly conserved and there is a moderate physicochemical difference between threonine and isoleucine. This variant is present in population databases (rs757772617, ExAC 0.001%). In summary, the available evidence is currently insufficient to determine the role of this variant in disease. Therefore, it has been classified as a Variant of Uncertain Significance. Algorithms developed to predict the effect of missense changes on protein structure and function (SIFT, PolyPhen-2, Align-GVGD) all suggest that this variant is likely to be tolerated, but these predictions have not been confirmed by published functional studies and their clinical significance is uncertain. This variant has not been reported in the literature in individuals with KIAA1549-related conditions.